The following is an entry in ClinVar:

NM_052865.4(MGME1):c.468G>A (p.Met156Ile)

Genes: MGME1 (mitochondrial genome maintenance exonuclease 1; plus strand), LOC126862983 (CDK7 strongly-dependent group 2 enhancer GRCh37_chr20:17950167-17951366; plus strand). Cytogenetic location: 20p11.23.
Variant type: single nucleotide variant.
Coding change: c.468G>A on transcript NM_052865.4 (MANE Select); coding-DNA position 468, G replaced by A.
Protein change: p.Met156Ile; replaces methionine 156 with isoleucine.
Molecular consequence: missense variant. On other transcripts: intron variant (1).
Genome position (GRCh38, 1-based): chr20:17,970,327, G>A. VCF-style: chr20-17970327-G-A. GRCh37 (hg19) VCF-style: chr20-17950970-G-A.
Other names: c.468G>A, p.Met156Ile (NM_001310338.2, NM_001310339.2); c.271+197G>A (NM_001363738.2); short protein forms M156I.
Identifiers: ClinVar variation 2093459 (VCV002093459.4), dbSNP rs1374787218, ClinGen allele CA408339536.

ClinVar aggregate classification (germline): Uncertain significance (1 of 4 stars; one submission).

Submission:

Labcorp Genetics (formerly Invitae), Labcorp
Classification: Uncertain significance. Last evaluated: 2023-08-04. Review status: criteria provided, single submitter. Criteria: Invitae Variant Classification Sherloc (09022015). Collection method: clinical testing. Allele origin: germline.
Comment: This variant has not been reported in the literature in individuals affected with MGME1-related conditions. ClinVar contains an entry for this variant (Variation ID: 2093459). Advanced modeling of protein sequence and biophysical properties (such as structural, functional, and spatial information, amino acid conservation, physicochemical variation, residue mobility, and thermodynamic stability) performed at Invitae indicates that this missense variant is expected to disrupt MGME1 protein function. In summary, the available evidence is currently insufficient to determine the role of this variant in disease. Therefore, it has been classified as a Variant of Uncertain Significance. This variant is not present in population databases (gnomAD no frequency). This sequence change replaces methionine, which is neutral and non-polar, with isoleucine, which is neutral and non-polar, at codon 156 of the MGME1 protein (p.Met156Ile).